The following is an entry in ClinVar:

NM_000545.8(HNF1A):c.712A>G (p.Arg238Gly)

Gene: HNF1A (HNF1 homeobox A; plus strand). Cytogenetic location: 12q24.31.
Variant type: single nucleotide variant.
Coding change: c.712A>G on transcript NM_000545.8 (MANE Select); coding-DNA position 712, A replaced by G.
Protein change: p.Arg238Gly; replaces arginine 238 with glycine.
Molecular consequence: missense variant.
Genome position (GRCh38, 1-based): chr12:120,993,705, A>G. VCF-style: chr12-120993705-A-G. GRCh37 (hg19) VCF-style: chr12-121431508-A-G.
Other names: NM_001306179.2:c.712A>G; c.712A>G, p.Arg238Gly (NM_001306179.2, NM_001406915.1); short protein forms R238G.
Identifiers: ClinVar variation 3370451 (VCV003370451.1).

ClinVar aggregate classification (germline): Uncertain significance (3 of 4 stars; one submission).

Conditions:
Monogenic diabetes. Identifiers: Orphanet 183625, MedGen C3888631, MONDO:0015967.

Submission:

ClinGen Monogenic Diabetes Variant Curation Expert Panel
Classification: Uncertain significance for Monogenic diabetes. Last evaluated: 2024-10-13. Review status: reviewed by expert panel. Criteria: ClinGen Diabetes ACMG Specifications HNF1A V2.1.0. Collection method: curation. Allele origin: germline. Inheritance: Autosomal dominant inheritance.
Comment: The c.712A>G variant in the HNF1 homeobox A gene, HNF1A, causes an amino acid change of arginine to glycine at codon 238 (p.(Arg238Gly)) of NM_000545.8. This variant is located within a conserved region of the DNA binding domain (codons 107-174 and 201-280) of HNF1A, which is defined as critical for the protein’s function by the ClinGen MDEP (PM1_Supporting). Additionally, this variant is predicted to be deleterious by computational evidence, with a REVEL score of 0.81, which is greater than the MDEP VCEP threshold of 0.70 (PP3). This variant is absent from gnomAD v2.1.1 and v4.1 (PM2_Supporting). In summary, c.712A>G meets the criteria to be classified as a variant of uncertain significance for monogenic diabetes. ACMG/AMP criteria applied, as specified by the ClinGen MDEP (specification version 2.1.1, approved 8/11/2023): PM1_Supporting, PM2_Supporting, PP3.